The following is an entry in ClinVar:

NM_013275.6(ANKRD11):c.7735C>T (p.Arg2579Cys)

Gene: ANKRD11 (ankyrin repeat domain 11; minus strand). Cytogenetic location: 16q24.3.
Variant type: single nucleotide variant.
Coding change: c.7735C>T on transcript NM_013275.6 (MANE Select); coding-DNA position 7735, C replaced by T.
Protein change: p.Arg2579Cys; replaces arginine 2579 with cysteine.
Molecular consequence: missense variant.
Genome position (GRCh38, 1-based): chr16:89,270,888, G>A on the plus strand (C>T on the coding strand, the complement: ANKRD11 is on the minus strand). VCF-style: chr16-89270888-G-A. GRCh37 (hg19) VCF-style: chr16-89337296-G-A.
Other names: c.7735C>T, p.Arg2579Cys (NM_001256182.2, NM_001256183.2); short protein forms R2579C.
Identifiers: ClinVar variation 623908 (VCV000623908.57), dbSNP rs1567537413, ClinGen allele CA397146650.

ClinVar aggregate classification (germline): Conflicting classifications of pathogenicity. Review status: criteria provided, conflicting classifications (1 of 4 stars). 7 submissions from 7 submitters: Pathogenic (1); Likely pathogenic (3); Uncertain significance (2). 1 of the submissions does not count toward it. Last evaluated 2026-09-08.

Conditions:
KBG syndrome (KBGS). Also called: ANKRD11-Related KBG Syndrome. Identifiers: Orphanet 2332, MedGen C0220687, MONDO:0007846, OMIM 148050.
ANKRD11-related disorder. Also called: ANKRD11-related condition.
Multiple congenital anomalies/dysmorphic syndrome-intellectual disability. Identifiers: Orphanet 102283, MedGen C5680372, MONDO:0015159.

Submissions (7):

PreventionGenetics, part of Exact Sciences
Classification: Likely pathogenic for ANKRD11-related condition. Last evaluated: 2026-09-08. Review status: criteria provided, single submitter. Criteria: ACMG Guidelines, 2015. Collection method: clinical testing. Allele origin: germline.
Comment: The ANKRD11 c.7735C>T variant is predicted to result in the amino acid substitution p.Arg2579Cys. This variants was reported in a patient with KBG syndrome (de Boer et al. 2022. PubMed ID: 35833929). An alternative missense variant affecting the same amino acid (p.Arg2579His) has also been reported in several patients with KBG syndrome with either de novo or familial inheritance (de Boer. 2022. PubMed ID: 35833929). This variant has not been reported in a large population database (gnomAD), indicating this variant is rare. In ClinVar, this variant is interpreted as pathogenic, likely pathogenic or uncertain significance (Variation ID: 623908). This variant is interpreted as likely pathogenic.

3billion
Classification: Likely pathogenic for KBG syndrome. Last evaluated: 2025-09-19. Review status: criteria provided, single submitter. Criteria: ACMG Guidelines, 2015. Collection method: clinical testing. Allele origin: germline. Affected: yes.
Comment: The variant is not observed in the gnomAD v4.1.0 dataset. Predicted Consequence/Location: Missense variant. The majority of the known disease-causing variants of this gene are variants expected to result in premature termination of the protein. Functional studies provide moderate evidence of the variant having a damaging effect on the gene or gene product (PMID: 35833929). In silico tool predictions suggest damaging effect of the variant on gene or gene product [3Cnet: 0.85 (> 0.75, sensitivity 0.96 and precision 0.92)]. The same nucleotide change resulting in the same amino acid change has been previously reported to be associated with ANKRD11-related disorder (PMID: 35833929). The variant has been previously reported as de novo in a similarly affected individual (PMID: 35833929). A different missense change at the same codon (p.Arg2579His) has been reported as pathogenic/likely pathogenic with strong evidence (ClinVar ID: VCV001760376 /PMID: 35833929). Therefore, this variant is classified as Likely pathogenic according to the recommendation of ACMG/AMP guideline.

GeneDx
Classification: Pathogenic. Last evaluated: 2025-08-30. Review status: criteria provided, single submitter. Criteria: GeneDx Variant Classification Process June 2021. Collection method: clinical testing. Allele origin: germline. Affected: yes.
Comment: Not observed at significant frequency in large population cohorts (gnomAD); In silico analysis supports that this missense variant has a deleterious effect on protein structure/function; This variant is associated with the following publications: (PMID: 35833929)

AURAGEN, Plan France Médecine Génomique
Classification: Likely pathogenic for Multiple congenital anomalies/dysmorphic syndrome-intellectual disability. Last evaluated: 2021-10-21. Review status: criteria provided, single submitter. Criteria: PFMG2025 (Lancet Reg Health Eur. 2025). Collection method: clinical testing. Allele origin: germline. Affected: yes.

Labcorp Genetics (formerly Invitae), Labcorp
Classification: Uncertain significance for KBG syndrome. Last evaluated: 2019-01-26. Review status: criteria provided, single submitter. Criteria: Invitae Variant Classification Sherloc (09022015). Collection method: clinical testing. Allele origin: germline.
Comment: In summary, the available evidence is currently insufficient to determine the role of this variant in disease. Therefore, it has been classified as a Variant of Uncertain Significance. Algorithms developed to predict the effect of missense changes on protein structure and function are either unavailable or do not agree on the potential impact of this missense change (SIFT: "Deleterious"; PolyPhen-2: "Probably Damaging"; Align-GVGD: "Class C0"). This variant has not been reported in the literature in individuals with ANKRD11-related conditions. This variant is not present in population databases (ExAC no frequency). This sequence change replaces arginine with cysteine at codon 2579 of the ANKRD11 protein (p.Arg2579Cys). The arginine residue is moderately conserved and there is a large physicochemical difference between arginine and cysteine.

CeGaT Center for Human Genetics Tuebingen
Classification: Uncertain significance. Last evaluated: 2018-07-01. Review status: criteria provided, single submitter. Criteria: CeGaT Center For Human Genetics Tuebingen Variant Classification Criteria Version 2. Collection method: clinical testing. Allele origin: germline. Affected: yes. Observed: 3 variant alleles.

Clinical Genetics Laboratory, University Hospital Schleswig-Holstein
Classification: Likely pathogenic for KBG syndrome. Last evaluated: 2024-09-06. Review status: no assertion criteria provided. Collection method: clinical testing. Allele origin: germline. Affected: yes. Not counted in ClinVar's aggregate classification.

Literature cited by the submitters: PubMed 35833929 (cited by 3billion).